The following is an entry in ClinVar:

NM_003982.4(SLC7A7):c.841T>C (p.Tyr281His)

Gene: SLC7A7 (solute carrier family 7 member 7; minus strand). Cytogenetic location: 14q11.2.
Variant type: single nucleotide variant.
Coding change: c.841T>C on transcript NM_003982.4 (MANE Select); coding-DNA position 841, T replaced by C.
Protein change: p.Tyr281His; replaces tyrosine 281 with histidine.
Molecular consequence: missense variant.
Genome position (GRCh38, 1-based): chr14:22,776,248, A>G on the plus strand (T>C on the coding strand, the complement: SLC7A7 is on the minus strand). VCF-style: chr14-22776248-A-G. GRCh37 (hg19) VCF-style: chr14-23245457-A-G.
Other names: c.841T>C, p.Tyr281His (NM_001126105.3, NM_001126106.4); short protein forms Y281H.
Identifiers: ClinVar variation 1502081 (VCV001502081.6), dbSNP rs2139388993, ClinGen allele CA388923599.

ClinVar aggregate classification (germline): Uncertain significance (1 of 4 stars; one submission).

Conditions:
Lysinuric protein intolerance (LPI). Identifiers: Orphanet 470, MedGen C0268647, MONDO:0009109, OMIM 222700.

Submission:

Labcorp Genetics (formerly Invitae), Labcorp
Classification: Uncertain significance for Lysinuric protein intolerance. Last evaluated: 2024-10-28. Review status: criteria provided, single submitter. Criteria: Invitae Variant Classification Sherloc (09022015). Collection method: clinical testing. Allele origin: germline.
Comment: This sequence change replaces tyrosine, which is neutral and polar, with histidine, which is basic and polar, at codon 281 of the SLC7A7 protein (p.Tyr281His). This variant is not present in population databases (gnomAD no frequency). This variant has not been reported in the literature in individuals affected with SLC7A7-related conditions. ClinVar contains an entry for this variant (Variation ID: 1502081). An algorithm developed to predict the effect of missense changes on protein structure and function (PolyPhen-2) suggests that this variant is likely to be disruptive. In summary, the available evidence is currently insufficient to determine the role of this variant in disease. Therefore, it has been classified as a Variant of Uncertain Significance.